The following is an entry in ClinVar:

ClinVar aggregate classification (germline): Uncertain significance. Review status: criteria provided, multiple submitters, no conflicts (2 of 4 stars). 2 submissions from 2 submitters: Uncertain significance (2). Last evaluated 2024-10-11.

Conditions:
Cardiovascular phenotype. Identifiers: MedGen CN230736.
ALMS1-related disorder. Also called: ALMS1-related condition.

gnomAD v4.1: 7 of 1,614,048 alleles (0.00043%); highest among the groups gnomAD compares: Non-Finnish European, 0.00051%; no homozygotes.

Submissions (2):

PreventionGenetics, part of Exact Sciences
Classification: Uncertain significance for ALMS1-related condition. Last evaluated: 2024-10-11. Review status: criteria provided, single submitter. Criteria: ACMG Guidelines, 2015. Collection method: clinical testing. Allele origin: germline.
Comment: The ALMS1 c.8488A>C variant is predicted to result in the amino acid substitution p.Ser2830Arg. To our knowledge, this variant has not been reported in the literature. This variant is reported in 0.00088% of alleles in individuals of European (non-Finnish) descent in gnomAD. At this time, the clinical significance of this variant is uncertain due to the absence of conclusive functional and genetic evidence.

Ambry Genetics
Classification: Uncertain significance for Cardiovascular phenotype. Last evaluated: 2021-03-09. Review status: criteria provided, single submitter. Criteria: Ambry Variant Classification Scheme 2023. Collection method: clinical testing. Allele origin: germline.
Comment: The p.N2830H variant (also known as c.8488A>C), located in coding exon 10 of the ALMS1 gene, results from an A to C substitution at nucleotide position 8488. The asparagine at codon 2830 is replaced by histidine, an amino acid with similar properties. This amino acid position is not well conserved in available vertebrate species, and histidine is the reference amino acid in other vertebrate species. In addition, this alteration is predicted to be tolerated by in silico analysis. Since supporting evidence is limited at this time, the clinical significance of this alteration remains unclear.

NM_001378454.1(ALMS1):c.8485A>C (p.Asn2829His)

Gene: ALMS1 (ALMS1 centrosome and basal body associated protein; plus strand). Cytogenetic location: 2p13.1.
Variant type: single nucleotide variant.
Coding change: c.8485A>C on transcript NM_001378454.1 (MANE Select); coding-DNA position 8485, A replaced by C.
Protein change: p.Asn2829His; replaces asparagine 2829 with histidine.
Molecular consequence: missense variant.
Genome position (GRCh38, 1-based): chr2:73,490,444, A>C. VCF-style: chr2-73490444-A-C. GRCh37 (hg19) VCF-style: chr2-73717571-A-C.
Other names: c.8488A>C, p.Asn2830His (NM_015120.4); short protein forms N2830H, N2829H.
Identifiers: ClinVar variation 1763556 (VCV001763556.3), dbSNP rs1300409766, ClinGen allele CA347269084.
Genomic context (GRCh38, chr2:73,490,444, plus strand): 5'-GAAAAACCCTTAGAAAGATCAGATTTTACAGGCAGTCATTCTGAGCCCAGTACCAGGGCA[A>C]ATTGTAGCAATTTCAAGGAAATTCAGATTTCTGATAACCATACCCTTATTAGCATGGGCA-3'
Protein context (NP_001365383.1, residues 2819-2839): GSHSEPSTRA[Asn2829His]CSNFKEIQIS